The following is an entry in ClinVar:

ClinVar aggregate classification (germline): Uncertain significance (1 of 4 stars; one submission).

Conditions:
Fucosidosis. Also called: ALPHA-L-FUCOSIDASE DEFICIENCY. Identifiers: Orphanet 349, MedGen C0016788, MONDO:0009254, OMIM 230000.

Allele frequency attached by ClinVar (database versions not stated): ExAC 0.00007.
gnomAD v4.1: 9 of 1,549,906 alleles (0.00058%); highest among the groups gnomAD compares: South Asian, 0.0094%; no homozygotes.

Submission:

Labcorp Genetics (formerly Invitae), Labcorp
Classification: Uncertain significance for Fucosidosis. Last evaluated: 2022-06-03. Review status: criteria provided, single submitter. Criteria: Invitae Variant Classification Sherloc (09022015). Collection method: clinical testing. Allele origin: germline.
Comment: This sequence change replaces alanine, which is neutral and non-polar, with valine, which is neutral and non-polar, at codon 3 of the FUCA1 protein (p.Ala3Val). The frequency data for this variant in the population databases is considered unreliable, as metrics indicate poor data quality at this position in the gnomAD database. This variant has not been reported in the literature in individuals affected with FUCA1-related conditions. Algorithms developed to predict the effect of missense changes on protein structure and function (SIFT, PolyPhen-2, Align-GVGD) all suggest that this variant is likely to be tolerated. In summary, the available evidence is currently insufficient to determine the role of this variant in disease. Therefore, it has been classified as a Variant of Uncertain Significance.

NM_000147.5(FUCA1):c.8C>T (p.Ala3Val)

Gene: FUCA1 (alpha-L-fucosidase 1; minus strand). Cytogenetic location: 1p36.11.
Variant type: single nucleotide variant.
Coding change: c.8C>T on transcript NM_000147.5 (MANE Select); coding-DNA position 8, C replaced by T.
Protein change: p.Ala3Val; replaces alanine 3 with valine.
Molecular consequence: missense variant. On other transcripts: non-coding transcript variant (4).
Genome position (GRCh38, 1-based): chr1:23,868,279, G>A on the plus strand (C>T on the coding strand, the complement: FUCA1 is on the minus strand). VCF-style: chr1-23868279-G-A. GRCh37 (hg19) VCF-style: chr1-24194769-G-A.
Other names: short protein forms A3V.
Identifiers: ClinVar variation 2156878 (VCV002156878.1), dbSNP rs769555043, ClinGen allele CA686649.